The following is an entry in ClinVar:

NC_000009.11:g.(6540147_6550802)_(6620320_6644613)del

Gene: GLDC (glycine decarboxylase; minus strand). Cytogenetic location: 9p24.1.
Variant type: Deletion.
Identifiers: ClinVar variation 3895711 (VCV003895711.1).

ClinVar aggregate classification (germline): Pathogenic (1 of 4 stars; one submission).

Conditions:
Glycine encephalopathy. Also called: Nonketotic hyperglycinemia; Non-ketotic hyperglycinemia. Identifiers: Orphanet 407, MedGen C0751748, MONDO:0011612, HP:0008288.

Submission:

Women's Health and Genetics/Laboratory Corporation of America, LabCorp
Classification: Pathogenic for Glycine encephalopathy. Last evaluated: 2025-03-28. Review status: criteria provided, single submitter. Criteria: LabCorp Variant Classification Summary - May 2015. Collection method: clinical testing. Allele origin: germline.
Comment: Variant summary: The variant involves the deletion of exons 3-21 in the GLDC gene. A presumed nomenclature of c.(334+1_335-1)_(2569+1_2570-1)del has been designated for the purposes of this classification. This Copy Number Variant (CNV) is predicted to result in an in-frame deletion within this gene. The variant was absent in 21694 control chromosomes (gnomAD, structural variants dataset). c.(334+1_335-1)_(2569+1_2570-1)del has been reported in the literature in individuals affected with Glycine Encephalopathy (Non-Ketotic Hyperglycinemia) (e.g. Swanson_2015). These data indicate that the variant is likely to be associated with disease. Additionally, multiple variants within the deleted region have been classified as pathogenic, supporting the critical relevance of this region to GLDC protein function. The following publication has been ascertained in the context of this evaluation (PMID: 26179960). ClinVar contains an entry for this variant (Variation ID: 531792). Based on the evidence outlined above, the variant was classified as pathogenic.

Literature cited by the submitters: PubMed 26179960.